The following is an entry in ClinVar:

NM_000497.4(CYP11B1):c.596-2A>G

Genes: CYP11B1 (cytochrome P450 family 11 subfamily B member 1; minus strand), LOC106799833 (CYP11B1 recombination region; plus strand). Cytogenetic location: 8q24.3.
Variant type: single nucleotide variant.
Coding change: c.596-2A>G on transcript NM_000497.4 (MANE Select); the canonical splice acceptor site of the intron before coding-DNA position 596, A replaced by G.
Molecular consequence: splice acceptor variant.
Genome position (GRCh38, 1-based): chr8:142,876,887, T>C on the plus strand (A>G on the coding strand, the complement: CYP11B1 is on the minus strand). VCF-style: chr8-142876887-T-C. GRCh37 (hg19) VCF-style: chr8-143958303-T-C.
Other names: c.596-2A>G (NM_001026213.1).
Identifiers: ClinVar variation 1704503 (VCV001704503.2), dbSNP rs775946442, ClinGen allele CA372395820.

ClinVar aggregate classification (germline): Likely pathogenic. Review status: criteria provided, multiple submitters, no conflicts (2 of 4 stars). 2 submissions from 2 submitters: Likely pathogenic (2). Last evaluated 2025-12-24.

Conditions:
Congenital adrenal hyperplasia. Identifiers: Orphanet 418, MedGen C0001627, MONDO:0018479, HP:0008258.

gnomAD v4.1: 3 of 1,614,144 alleles (0.00019%); highest among the groups gnomAD compares: Non-Finnish European, 0.00025%; no homozygotes.

Submissions (2):

Labcorp Genetics (formerly Invitae), Labcorp
Classification: Likely pathogenic. Last evaluated: 2025-12-24. Review status: criteria provided, single submitter. Criteria: Invitae Variant Classification Sherloc (09022015). Collection method: clinical testing. Allele origin: germline.
Comment: This sequence change affects an acceptor splice site in intron 3 of the CYP11B1 gene. It is expected to disrupt RNA splicing. Variants that disrupt the donor or acceptor splice site typically lead to a loss of protein function (PMID: 16199547), and loss-of-function variants in CYP11B1 are known to be pathogenic (PMID: 8506298, 26476331). This variant is not present in population databases (gnomAD no frequency). This variant has not been reported in the literature in individuals affected with CYP11B1-related conditions. ClinVar contains an entry for this variant (Variation ID: 1704503). Algorithms developed to predict the effect of sequence changes on RNA splicing suggest that this variant may disrupt the consensus splice site. In summary, the currently available evidence indicates that the variant is pathogenic, but additional data are needed to prove that conclusively. Therefore, this variant has been classified as Likely Pathogenic.

Women's Health and Genetics/Laboratory Corporation of America, LabCorp
Classification: Likely pathogenic for Congenital adrenal hyperplasia. Last evaluated: 2022-07-14. Review status: criteria provided, single submitter. Criteria: LabCorp Variant Classification Summary - May 2015. Collection method: clinical testing. Allele origin: germline.
Comment: Variant summary: CYP11B1 c.596-2A>G is located in a canonical splice-site and is predicted to affect mRNA splicing resulting in a significantly altered protein due to either exon skipping, shortening, or inclusion of intronic material. Several computational tools predict a significant impact on normal splicing: Four predict the variant abolishes a 3 prime acceptor site. However, these predictions have yet to be confirmed by functional studies. The variant was absent in 250752 control chromosomes. To our knowledge, no occurrence of c.596-2A>G in individuals affected with Congenital Adrenal Hyperplasia and no experimental evidence demonstrating its impact on protein function have been reported. No clinical diagnostic laboratories have submitted clinical-significance assessments for this variant to ClinVar after 2014. Based on the evidence outlined above, the variant was classified as likely pathogenic.

Literature cited by the submitters: PubMed 16199547 (cited by Labcorp Genetics (formerly Invitae), Labcorp); PubMed 8506298 (cited by Labcorp Genetics (formerly Invitae), Labcorp); PubMed 26476331 (cited by Labcorp Genetics (formerly Invitae), Labcorp).